The following is an entry in ClinVar:

NM_002397.5(MEF2C):c.109G>A (p.Val37Met)

Gene: MEF2C (myocyte enhancer factor 2C; minus strand). Cytogenetic location: 5q14.3.
Variant type: single nucleotide variant.
Coding change: c.109G>A on transcript NM_002397.5 (MANE Select); coding-DNA position 109, G replaced by A.
Protein change: p.Val37Met; replaces valine 37 with methionine.
Molecular consequence: missense variant.
Genome position (GRCh38, 1-based): chr5:88,804,747, C>T on the plus strand (G>A on the coding strand, the complement: MEF2C is on the minus strand). VCF-style: chr5-88804747-C-T. GRCh37 (hg19) VCF-style: chr5-88100564-C-T.
Other names: c.109G>A, p.Val37Met (NM_001364329.2, NM_001364330.2, NM_001364331.2 and 29 more transcripts); short protein forms V37M.
Identifiers: ClinVar variation 2430632 (VCV002430632.4), dbSNP rs765658557, ClinGen allele CA3337377.

ClinVar aggregate classification (germline): Conflicting classifications of pathogenicity. Review status: criteria provided, conflicting classifications (1 of 4 stars). 2 submissions from 2 submitters: Pathogenic (1); Likely benign (1). Last evaluated 2024-05-13.

Conditions:
Neurodevelopmental disorder with hypotonia, stereotypic hand movements, and impaired language. Also called: Intellectual disability, autosomal dominant 20. Identifiers: Orphanet 228384, Orphanet 664410, MedGen C3150700, MONDO:0013266, OMIM 613443.

Allele frequency attached by ClinVar (database versions not stated): TOPMed below 0.00001; ExAC 0.00001; gnomAD 0.00001.
gnomAD v4.1: 1 of 1,614,044 alleles (0.000062%); highest among the groups gnomAD compares: African/African-American, 0.0013%; no homozygotes.

Submissions (2):

Labcorp Genetics (formerly Invitae), Labcorp
Classification: Likely benign for Neurodevelopmental disorder with hypotonia, stereotypic hand movements, and impaired language. Last evaluated: 2024-05-13. Review status: criteria provided, single submitter. Criteria: Invitae Variant Classification Sherloc (09022015). Collection method: clinical testing. Allele origin: germline.

GeneDx
Classification: Pathogenic. Last evaluated: 2023-02-22. Review status: criteria provided, single submitter. Criteria: GeneDx Variant Classification Process June 2021. Collection method: clinical testing. Allele origin: germline. Affected: yes.
Comment: Identified in an individual with a neurodevelopmental disorder, but segregation and detailed clinical information were not provided (Wang et al., 2020); In silico analysis supports that this missense variant has a deleterious effect on protein structure/function; This variant is associated with the following publications: (PMID: 33004838)